The following is an entry in ClinVar:

NM_001044385.3(TMEM237):c.575G>A (p.Arg192His)

Gene: TMEM237 (transmembrane protein 237; minus strand). Cytogenetic location: 2q33.1.
Variant type: single nucleotide variant.
Coding change: c.575G>A on transcript NM_001044385.3 (MANE Select); coding-DNA position 575, G replaced by A.
Protein change: p.Arg192His; replaces arginine 192 with histidine.
Molecular consequence: missense variant.
Genome position (GRCh38, 1-based): chr2:201,629,831, C>T on the plus strand (G>A on the coding strand, the complement: TMEM237 is on the minus strand). VCF-style: chr2-201629831-C-T. GRCh37 (hg19) VCF-style: chr2-202494554-C-T.
Other names: c.551G>A, p.Arg184His (NM_152388.4); short protein forms R192H, R184H.
Identifiers: ClinVar variation 1475602 (VCV001475602.6), dbSNP rs186216206, ClinGen allele CA2056441.
Genomic context (GRCh38, chr2:201,629,831, plus strand): 5'-CAGGAAGGCTTCACGTCCATTGACACATCTATGTTTTCTGTGGTCTTTATCAACTCTGAA[C>T]GATCAGCAGCCTGGAATCTCCCTAAGAACACATAACGTAATTACTAACAACTAGCGAGAG-3'
Protein context (NP_001037850.1, residues 182-202): EKSRRFQAAD[Arg192His]SELIKTTENI

ClinVar aggregate classification (germline): Uncertain significance. Review status: criteria provided, multiple submitters, no conflicts (2 of 4 stars). 2 submissions from 2 submitters: Uncertain significance (2). Last evaluated 2024-01-08.

Conditions:
Joubert syndrome 14 (JBTS14). Identifiers: MedGen C3280766, MONDO:0013745, OMIM 614424.

Allele frequency attached by ClinVar (database versions not stated): ExAC 0.00001; gnomAD 0.00001; TOPMed 0.00002; ESP Exome Variant Server 0.00008.
gnomAD v4.1: 13 of 1,612,556 alleles (0.00081%); highest among the groups gnomAD compares: East Asian, 0.0067%; no homozygotes.

Submissions (2):

Fulgent Genetics
Classification: Uncertain significance for Joubert syndrome 14. Last evaluated: 2024-01-08. Review status: criteria provided, single submitter. Criteria: ACMG Guidelines, 2015. Collection method: clinical testing. Allele origin: germline.

Labcorp Genetics (formerly Invitae), Labcorp
Classification: Uncertain significance for Joubert syndrome 14. Last evaluated: 2021-08-31. Review status: criteria provided, single submitter. Criteria: Invitae Variant Classification Sherloc (09022015). Collection method: clinical testing. Allele origin: germline.
Comment: This sequence change replaces arginine with histidine at codon 192 of the TMEM237 protein (p.Arg192His). The arginine residue is highly conserved and there is a small physicochemical difference between arginine and histidine. This variant is present in population databases (rs186216206, ExAC 0.001%). This variant has not been reported in the literature in individuals affected with TMEM237-related conditions. Algorithms developed to predict the effect of missense changes on protein structure and function (SIFT, PolyPhen-2, Align-GVGD) all suggest that this variant is likely to be disruptive. In summary, the available evidence is currently insufficient to determine the role of this variant in disease. Therefore, it has been classified as a Variant of Uncertain Significance.